The following is an entry in ClinVar:

NM_001367624.2(ZNF469):c.80dup (p.His29fs)

Gene: ZNF469 (zinc finger protein 469; plus strand). Cytogenetic location: 16q24.2.
Variant type: Duplication.
Coding change: c.80dup on transcript NM_001367624.2 (MANE Select); coding-DNA position 80, one base duplicated (C; older notation c.80dupC).
Protein change: p.His29fs; shifts the reading frame from histidine 29.
Molecular consequence: frameshift variant.
Genome position (GRCh38, 1-based): chr16:88,427,550, C duplicated; the last of 3 consecutive C bases (chr16:88,427,548-88,427,550); duplicating any one gives the same sequence. VCF-style (leftmost placement, unchanged base first): chr16-88427547-G-GC. GRCh37 (hg19) VCF-style: chr16-88493955-G-GC.
Other names: short protein forms H29fs.
Identifiers: ClinVar variation 2759314 (VCV002759314.3), dbSNP rs2507570059, ClinGen allele CA2697556086.
Genomic context (GRCh38, chr16:88,427,547, plus strand): 5'-CCCGAGGAGCGCCGCCCCCCACCATGACTGGAGACCTGCAGCCCCGCCAAGTTGCCAGCA[G>GC]CCCGGGGCACCCCTCCCAGCCGCCACTGGAGGACAACACCCCAGCTACCAGGACCACCAA-3'

ClinVar aggregate classification (germline): Pathogenic (1 of 4 stars; one submission).

Submission:

Labcorp Genetics (formerly Invitae), Labcorp
Classification: Pathogenic. Last evaluated: 2023-09-09. Review status: criteria provided, single submitter. Criteria: Invitae Variant Classification Sherloc (09022015). Collection method: clinical testing. Allele origin: germline.
Comment: This sequence change creates a premature translational stop signal (p.His29Alafs*121) in the ZNF469 gene. It is expected to result in an absent or disrupted protein product. Loss-of-function variants in ZNF469 are known to be pathogenic (PMID: 23642083, 23680354). For these reasons, this variant has been classified as Pathogenic. This variant has not been reported in the literature in individuals affected with ZNF469-related conditions. This variant is not present in population databases (gnomAD no frequency).

Literature cited by the submitters: PubMed 23642083; PubMed 23680354.